The following is an entry in ClinVar:

NM_000520.6(HEXA):c.1226del (p.Lys409fs)

Gene: HEXA (hexosaminidase subunit alpha; minus strand). Cytogenetic location: 15q23.
Variant type: Deletion.
Coding change: c.1226del on transcript NM_000520.6 (MANE Select); coding-DNA position 1226, one base deleted (A; older notation c.1226delA).
Protein change: p.Lys409fs; shifts the reading frame from lysine 409.
Molecular consequence: frameshift variant.
Genome position (GRCh38, 1-based): chr15:72,346,631, T deleted on the plus strand (A on the coding strand, the reverse complement: HEXA is on the minus strand); the first of 2 consecutive T bases (chr15:72,346,631-72,346,632); deleting either gives the same sequence. VCF-style (leftmost placement, unchanged base first): chr15-72346630-CT-C. GRCh37 (hg19) VCF-style: chr15-72638971-CT-C.
Other names: c.1259del, p.Lys420fs (NM_001318825.2); short protein forms K409fs, K420fs.
Identifiers: ClinVar variation 4818711 (VCV004818711.1).

ClinVar aggregate classification (germline): Likely pathogenic (1 of 4 stars; one submission).

Conditions:
Tay-Sachs disease (TSD). Also called: HEXA DEFICIENCY; HEXA Disorders; GM2 gangliosidosis, type 1; Hexosaminidase alpha-subunit deficiency (variant B); Sphingolipidosis, Tay-Sachs; Hexosaminidase A Deficiency. Identifiers: Orphanet 845, MedGen C0039373, MONDO:0010100, OMIM 272800.

Submission:

Natera, Inc.
Classification: Likely pathogenic for Tay-Sachs disease. Last evaluated: 2024-06-24. Review status: criteria provided, single submitter. Criteria: Natera Variant Classification Schema (03/2026). Collection method: clinical testing. Allele origin: germline.
Comment: The c.1226del variant in HEXA is a frameshift variant predicted to shift the reading frame beginning at codon 409 and leads to a stop codon 14 codons downstream. This variant is expected to result in nonsense mediated decay, truncation, or a dysfunctional protein product. This variant is rare in the general population with a frequency below the threshold expected for the associated phenotype(s). Given the available evidence, this variant is classified as Likely Pathogenic.